The following is an entry in ClinVar:

ClinVar aggregate classification (germline): Uncertain significance (1 of 4 stars; one submission).

Allele frequency attached by ClinVar (database versions not stated): TOPMed below 0.00001; ExAC 0.00001; gnomAD exomes 0.00001.
gnomAD v4.1: 5 of 1,614,206 alleles (0.00031%); highest among the groups gnomAD compares: Admixed American, 0.0083%; no homozygotes.

Submission:

Labcorp Genetics (formerly Invitae), Labcorp
Classification: Uncertain significance. Last evaluated: 2025-07-18. Review status: criteria provided, single submitter. Criteria: Invitae Variant Classification Sherloc (09022015). Collection method: clinical testing. Allele origin: germline.
Comment: This sequence change replaces aspartic acid, which is acidic and polar, with asparagine, which is neutral and polar, at codon 3774 of the TRRAP protein (p.Asp3774Asn). This variant is present in population databases (rs756135967, gnomAD 0.009%). This variant has not been reported in the literature in individuals affected with TRRAP-related conditions. ClinVar contains an entry for this variant (Variation ID: 2725771). Invitae Evidence Modeling of protein sequence and biophysical properties (such as structural, functional, and spatial information, amino acid conservation, physicochemical variation, residue mobility, and thermodynamic stability) indicates that this missense variant is not expected to disrupt TRRAP protein function with a negative predictive value of 80%. In summary, the available evidence is currently insufficient to determine the role of this variant in disease. Therefore, it has been classified as a Variant of Uncertain Significance.

NM_001375524.1(TRRAP):c.11449G>A (p.Asp3817Asn)

Gene: TRRAP (transformation/transcription domain associated protein; plus strand). Cytogenetic location: 7q22.1.
Variant type: single nucleotide variant.
Coding change: c.11449G>A on transcript NM_001375524.1 (MANE Select); coding-DNA position 11449, G replaced by A.
Protein change: p.Asp3817Asn; replaces aspartic acid 3817 with asparagine.
Molecular consequence: missense variant.
Genome position (GRCh38, 1-based): chr7:99,012,182, G>A. VCF-style: chr7-99012182-G-A. GRCh37 (hg19) VCF-style: chr7-98609805-G-A.
Other names: c.11407G>A, p.Asp3803Asn (NM_001244580.2); c.11320G>A, p.Asp3774Asn (NM_003496.4); short protein forms D3803N, D3817N, D3774N.
Identifiers: ClinVar variation 2725771 (VCV002725771.3), dbSNP rs756135967, ClinGen allele CA4362183.